The following is an entry in ClinVar:

ClinVar aggregate classification (germline): Pathogenic (1 of 4 stars; one submission).

Conditions:
Polycystic kidney disease, adult type (PKD1). Also called: Polycystic Kidney, Autosomal Dominant; POLYCYSTIC KIDNEY DISEASE, ADULT, TYPE I; Polycystic Kidney Disease 1, Autosomal Dominant; Polycystic kidney disease 1; Polycystic kidney disease 1, severe; POLYCYSTIC KIDNEY DISEASE 1 WITH OR WITHOUT POLYCYSTIC LIVER DISEASE. Identifiers: MedGen C3149841, MONDO:0008263, OMIM 173900.

Submission:

MVZ Medizinische Genetik Mainz
Classification: Pathogenic for Polycystic kidney disease, adult type. Last evaluated: 2025-09-18. Review status: criteria provided, single submitter. Criteria: UK Practice Guidelines For Variant Classification V4 01 2020. Collection method: clinical testing. Allele origin: germline. Inheritance: Autosomal dominant inheritance. Affected: yes. Observed: 1 variant allele.
Comment: ACMG Criteria: PVS1,PM2_SUP,PP4

NM_001009944.3(PKD1):c.8986del (p.Ser2996fs)

Gene: PKD1 (polycystin 1, transient receptor potential channel interacting; minus strand). Cytogenetic location: 16p13.3.
Variant type: Deletion.
Coding change: c.8986del on transcript NM_001009944.3 (MANE Select); coding-DNA position 8986, one base deleted (T; older notation c.8986delT).
Protein change: p.Ser2996fs; shifts the reading frame from serine 2996.
Molecular consequence: frameshift variant.
Genome position (GRCh38, 1-based): chr16:2,102,596, A deleted on the plus strand (T on the coding strand, the reverse complement: PKD1 is on the minus strand). VCF-style (leftmost placement, unchanged base first): chr16-2102595-GA-G. GRCh37 (hg19) VCF-style: chr16-2152596-GA-G.
Other names: c.8986del, p.Ser2996fs (NM_000296.4); short protein forms S2996fs.
Identifiers: ClinVar variation 4526502 (VCV004526502.1).